The following is an entry in ClinVar:

NM_001303.4(COX10):c.611A>G (p.Asn204Ser)

Gene: COX10 (cytochrome c oxidase assembly factor heme A:farnesyltransferase COX10; plus strand). Cytogenetic location: 17p12.
Variant type: single nucleotide variant.
Coding change: c.611A>G on transcript NM_001303.4 (MANE Select); coding-DNA position 611, A replaced by G.
Protein change: p.Asn204Ser; replaces asparagine 204 with serine.
Molecular consequence: missense variant.
Genome position (GRCh38, 1-based): chr17:14,102,229, A>G. VCF-style: chr17-14102229-A-G. GRCh37 (hg19) VCF-style: chr17-14005546-A-G.
Other names: short protein forms N204S.
Identifiers: ClinVar variation 1915327 (VCV001915327.5), dbSNP rs1597501439, ClinGen allele CA398248886.

ClinVar aggregate classification (germline): Uncertain significance (1 of 4 stars; one submission).

Allele frequency attached by ClinVar (database versions not stated): gnomAD exomes below 0.00001; TOPMed 0.00001.
gnomAD v4.1: 2 of 1,613,624 alleles (0.00012%); highest among the groups gnomAD compares: Non-Finnish European, 0.00017%; no homozygotes.

Submission:

Labcorp Genetics (formerly Invitae), Labcorp
Classification: Uncertain significance. Last evaluated: 2022-11-08. Review status: criteria provided, single submitter. Criteria: Invitae Variant Classification Sherloc (09022015). Collection method: clinical testing. Allele origin: germline.
Comment: In summary, the available evidence is currently insufficient to determine the role of this variant in disease. Therefore, it has been classified as a Variant of Uncertain Significance. This variant disrupts the p.Asn204 amino acid residue in COX10. Other variant(s) that disrupt this residue have been determined to be pathogenic (PMID: 10767350). This suggests that this residue is clinically significant, and that variants that disrupt this residue are likely to be disease-causing. Advanced modeling of protein sequence and biophysical properties (such as structural, functional, and spatial information, amino acid conservation, physicochemical variation, residue mobility, and thermodynamic stability) performed at Invitae indicates that this missense variant is expected to disrupt COX10 protein function. This variant has not been reported in the literature in individuals affected with COX10-related conditions. This variant is not present in population databases (gnomAD no frequency). This sequence change replaces asparagine, which is neutral and polar, with serine, which is neutral and polar, at codon 204 of the COX10 protein (p.Asn204Ser).

Literature cited by the submitters: PubMed 10767350.